The following is an entry in ClinVar:

NM_001370595.2(COA8):c.100C>G (p.Arg34Gly)

Gene: COA8 (cytochrome c oxidase assembly factor 8; plus strand). Cytogenetic location: 14q32.33.
Variant type: single nucleotide variant.
Coding change: c.100C>G on transcript NM_001370595.2 (MANE Select); coding-DNA position 100, C replaced by G.
Protein change: p.Arg34Gly; replaces arginine 34 with glycine.
Molecular consequence: missense variant. On other transcripts: non-coding transcript variant (2).
Genome position (GRCh38, 1-based): chr14:103,563,101, C>G. VCF-style: chr14-103563101-C-G. GRCh37 (hg19) VCF-style: chr14-104029438-C-G.
Other names: c.100C>G, p.Arg34Gly (NM_001302653.2, NM_001302654.2); c.139C>G, p.Arg47Gly (NM_032374.4); short protein forms R34G, R47G.
Identifiers: ClinVar variation 2663745 (VCV002663745.1), dbSNP rs746403727, ClinGen allele CA7365414.

ClinVar aggregate classification (germline): Uncertain significance (1 of 4 stars; one submission).

Allele frequency attached by ClinVar (database versions not stated): gnomAD exomes below 0.00001; TOPMed 0.00001.

Submission:

GeneDx
Classification: Uncertain significance. Last evaluated: 2023-04-20. Review status: criteria provided, single submitter. Criteria: GeneDx Variant Classification Process June 2021. Collection method: clinical testing. Allele origin: germline. Affected: yes.
Comment: Not observed at significant frequency in large population cohorts (gnomAD); In silico analysis supports that this missense variant does not alter protein structure/function; Has not been previously published as pathogenic or benign to our knowledge